The following is an entry in ClinVar:

ClinVar aggregate classification (germline): Uncertain significance (1 of 4 stars; one submission).

Conditions:
Severe combined immunodeficiency due to DNA-PKcs deficiency. Also called: IMMUNODEFICIENCY 26 WITH NEUROLOGIC ABNORMALITIES; Immunodeficiency 26 with or without neurologic abnormalities. Identifiers: Orphanet 317425, MedGen C4014833, MONDO:0014423, OMIM 615966.

Submission:

Labcorp Genetics (formerly Invitae), Labcorp
Classification: Uncertain significance for Severe combined immunodeficiency due to DNA-PKcs deficiency. Last evaluated: 2019-08-28. Review status: criteria provided, single submitter. Criteria: Invitae Variant Classification Sherloc (09022015). Collection method: clinical testing. Allele origin: germline.
Comment: In summary, the available evidence is currently insufficient to determine the role of this variant in disease. Therefore, it has been classified as a Variant of Uncertain Significance. This variant has not been reported in the literature in individuals with PRKDC-related conditions. This variant results in a copy number gain of the genomic region encompassing exons 1-7 of the PRKDC gene, which includes the initiator codon. The 5' end of this event is unknown as it extends beyond the assayed region for this gene and therefore may encompass additional genes. The 3' boundary is likely confined to intron 7 of the PRKDC gene. As the precise location of this event is unknown, it may be in tandem or it may be located elsewhere in the genome.

NC_000008.11:g.(?_47953600)_(47960146_?)dup

Gene: PRKDC (protein kinase, DNA-activated, catalytic subunit; minus strand). Cytogenetic location: 8q11.21.
Variant type: Duplication.
Identifiers: ClinVar variation 831842 (VCV000831842.6).